The following is an entry in ClinVar:

ClinVar aggregate classification (germline): Pathogenic (1 of 4 stars; one submission).

Submission:

Labcorp Genetics (formerly Invitae), Labcorp
Classification: Pathogenic. Last evaluated: 2023-01-11. Review status: criteria provided, single submitter. Criteria: Invitae Variant Classification Sherloc (09022015). Collection method: clinical testing. Allele origin: unknown.
Comment: For these reasons, this variant has been classified as Pathogenic. This variant has not been reported in the literature in individuals affected with NBAS-related conditions. This variant is a gross deletion of the genomic region encompassing exon(s) 13-30 of the NBAS gene. This deletion is out-of-frame, and is expected to create a premature termination codon and result in an absent or disrupted protein product. Loss-of-function variants in NBAS are known to be pathogenic (PMID: 26073778, 26541327, 27789416, 28031453).

Literature cited by the submitters: PubMed 26073778; PubMed 26541327; PubMed 27789416; PubMed 28031453.

NC_000002.11:g.(?_15519706)_(15618433_?)del

Gene: NBAS (NBAS subunit of NRZ tethering complex; minus strand). Cytogenetic location: 2p24.3.
Variant type: Deletion.
Identifiers: ClinVar variation 3247559 (VCV003247559.1).